The following is an entry in ClinVar:

NM_000334.4(SCN4A):c.3093C>G (p.Asn1031Lys)

Genes: GH-LCR (growth hormone locus control region; plus strand), SCN4A (sodium voltage-gated channel alpha subunit 4; minus strand). Cytogenetic location: 17q23.3.
Variant type: single nucleotide variant.
Coding change: c.3093C>G on transcript NM_000334.4 (MANE Select); coding-DNA position 3093, C replaced by G.
Protein change: p.Asn1031Lys; replaces asparagine 1031 with lysine.
Molecular consequence: missense variant.
Genome position (GRCh38, 1-based): chr17:63,948,662, G>C on the plus strand (C>G on the coding strand, the complement: SCN4A is on the minus strand). VCF-style: chr17-63948662-G-C. GRCh37 (hg19) VCF-style: chr17-62026022-G-C.
Other names: short protein forms N1031K.
Identifiers: ClinVar variation 1064110 (VCV001064110.9), dbSNP rs779124566, ClinGen allele CA8709393.

ClinVar aggregate classification (germline): Uncertain significance (1 of 4 stars; one submission).

Conditions:
Hyperkalemic periodic paralysis. Also called: Familial hyperkalemic periodic paralysis; Gamstorp disease. Identifiers: Orphanet 682, MedGen C0238357, MONDO:0008224, OMIM 170500, HP:0007215.

Allele frequency attached by ClinVar (database versions not stated): gnomAD 0.00001; gnomAD exomes 0.00002 and 0.00005; ExAC 0.00004.
gnomAD v4.1: 31 of 1,613,778 alleles (0.0019%); highest among the groups gnomAD compares: South Asian, 0.034%; no homozygotes.

Submission:

Labcorp Genetics (formerly Invitae), Labcorp
Classification: Uncertain significance for Hyperkalemic periodic paralysis. Last evaluated: 2025-01-30. Review status: criteria provided, single submitter. Criteria: Invitae Variant Classification Sherloc (09022015). Collection method: clinical testing. Allele origin: germline.
Comment: This sequence change replaces asparagine, which is neutral and polar, with lysine, which is basic and polar, at codon 1031 of the SCN4A protein (p.Asn1031Lys). This variant is present in population databases (rs779124566, gnomAD 0.04%). This missense change has been observed in individual(s) with congenital myopathy (PMID: 31127727). ClinVar contains an entry for this variant (Variation ID: 1064110). Invitae Evidence Modeling of protein sequence and biophysical properties (such as structural, functional, and spatial information, amino acid conservation, physicochemical variation, residue mobility, and thermodynamic stability) indicates that this missense variant is not expected to disrupt SCN4A protein function with a negative predictive value of 95%. In summary, the available evidence is currently insufficient to determine the role of this variant in disease. Therefore, it has been classified as a Variant of Uncertain Significance.

Literature cited by the submitters: PubMed 31127727.